The following is an entry in ClinVar:

ClinVar aggregate classification (germline): Likely pathogenic. Review status: criteria provided, single submitter (1 of 4 stars). 2 submissions from 2 submitters: Likely pathogenic (1). 1 of the submissions does not count toward it. Last evaluated 2022-07-14.

Conditions:
Microcephaly 5, primary, autosomal recessive (MCPH5). Also called: ASPM Primary Microcephaly. Identifiers: Orphanet 2512, MedGen C1837501, MONDO:0012106, OMIM 608716.

Allele frequency attached by ClinVar (database versions not stated): gnomAD exomes below 0.00001; ExAC 0.00001.
gnomAD v4.1: 1 of 1,608,512 alleles (0.000062%); highest among the groups gnomAD compares: Non-Finnish European, 0.000085%; no homozygotes.

Submissions (2):

Labcorp Genetics (formerly Invitae), Labcorp
Classification: Likely pathogenic. Last evaluated: 2022-07-14. Review status: criteria provided, single submitter. Criteria: Invitae Variant Classification Sherloc (09022015). Collection method: clinical testing. Allele origin: germline.
Comment: In summary, the currently available evidence indicates that the variant is pathogenic, but additional data are needed to prove that conclusively. Therefore, this variant has been classified as Likely Pathogenic. Algorithms developed to predict the effect of sequence changes on RNA splicing suggest that this variant may disrupt the consensus splice site. ClinVar contains an entry for this variant (Variation ID: 21581). Disruption of this splice site has been observed in individual(s) with autosomal recessive primary microcephaly (PMID: 19028728, 20978018). This variant is present in population databases (rs199422160, gnomAD 0.0009%). This sequence change affects a donor splice site in intron 15 of the ASPM gene. It is expected to disrupt RNA splicing. Variants that disrupt the donor or acceptor splice site typically lead to a loss of protein function (PMID: 16199547), and loss-of-function variants in ASPM are known to be pathogenic (PMID: 19028728, 23611254).

GeneReviews
No classification provided. Condition: Microcephaly 5, primary, autosomal recessive. Review status: no classification provided. Collection method: literature only. Allele origin: unknown. Not counted in ClinVar's aggregate classification.

Literature cited by the submitters: PubMed 19028728 (cited by Labcorp Genetics (formerly Invitae), Labcorp); PubMed 20978018 (cited by Labcorp Genetics (formerly Invitae), Labcorp); PubMed 16199547 (cited by Labcorp Genetics (formerly Invitae), Labcorp); PubMed 23611254 (cited by Labcorp Genetics (formerly Invitae), Labcorp); PubMed 20301772 (cited by GeneReviews); NCBI Bookshelf NBK9587 (cited by GeneReviews).

NM_018136.5(ASPM):c.3741+1G>A

Gene: ASPM (assembly factor for spindle microtubules; minus strand). Cytogenetic location: 1q31.3.
Variant type: single nucleotide variant.
Coding change: c.3741+1G>A on transcript NM_018136.5 (MANE Select); the canonical splice donor site of the intron after coding-DNA position 3741, G replaced by A.
Molecular consequence: splice donor variant.
Genome position (GRCh38, 1-based): chr1:197,122,158, C>T on the plus strand (G>A on the coding strand, the complement: ASPM is on the minus strand). VCF-style: chr1-197122158-C-T. GRCh37 (hg19) VCF-style: chr1-197091288-C-T.
Other names: c.3741+1G>A (NM_001206846.2).
Identifiers: ClinVar variation 21581 (VCV000021581.10), dbSNP rs199422160, ClinGen allele CA342247.